The following is an entry in ClinVar:

ClinVar aggregate classification (germline): Uncertain significance. Review status: criteria provided, multiple submitters, no conflicts (2 of 4 stars). 3 submissions from 3 submitters: Uncertain significance (3). Last evaluated 2022-08-16.

Conditions:
Autosomal recessive ataxia, Beauce type. Also called: Spinocerebellar ataxia, autosomal recessive 8; SYNE1-Related Autosomal Recessive Cerebellar Ataxia; SYNE1 Deficiency; ATAXIA, RECESSIVE, OF BEAUCE. Identifiers: Orphanet 88644, MedGen C1853116, MONDO:0012549, OMIM 610743.
Emery-Dreifuss muscular dystrophy 4, autosomal dominant (EDMD4). Also called: EMERY-DREIFUSS MUSCULAR DYSTROPHY 4 WITH VARIABLE FEATURES. Identifiers: Orphanet 261, MedGen C2751807, MONDO:0013071, OMIM 612998.

Allele frequency attached by ClinVar (database versions not stated): TOPMed 0.00001.
gnomAD v4.1: 23 of 1,614,044 alleles (0.0014%); highest among the groups gnomAD compares: Admixed American, 0.005%; no homozygotes.

Submissions (3):

Labcorp Genetics (formerly Invitae), Labcorp
Classification: Uncertain significance for Emery-Dreifuss muscular dystrophy 4, autosomal dominant; Autosomal recessive ataxia, Beauce type. Last evaluated: 2022-08-16. Review status: criteria provided, single submitter. Criteria: Invitae Variant Classification Sherloc (09022015). Collection method: clinical testing. Allele origin: germline.
Comment: This sequence change replaces threonine, which is neutral and polar, with lysine, which is basic and polar, at codon 8743 of the SYNE1 protein (p.Thr8743Lys). This variant is present in population databases (rs567376316, gnomAD 0.004%). This variant has not been reported in the literature in individuals affected with SYNE1-related conditions. ClinVar contains an entry for this variant (Variation ID: 593818). Algorithms developed to predict the effect of missense changes on protein structure and function are either unavailable or do not agree on the potential impact of this missense change (SIFT: "Deleterious"; PolyPhen-2: "Possibly Damaging"; Align-GVGD: "Class C0"). In summary, the available evidence is currently insufficient to determine the role of this variant in disease. Therefore, it has been classified as a Variant of Uncertain Significance.

Revvity Omics, Revvity
Classification: Uncertain significance. Last evaluated: 2019-05-02. Review status: criteria provided, single submitter. Criteria: ACMG Guidelines, 2015. Collection method: clinical testing. Allele origin: germline.

Eurofins Ntd Llc (ga)
Classification: Uncertain significance. Last evaluated: 2018-06-13. Review status: criteria provided, single submitter. Criteria: EGL ClinVar v180209 classification definitions. Collection method: clinical testing. Allele origin: germline. Observed: 2 variant alleles, 2 heterozygotes.

NM_182961.4(SYNE1):c.26372C>A (p.Thr8791Lys)

Genes: ESR1 (estrogen receptor 1; plus strand), SYNE1 (spectrin repeat containing nuclear envelope protein 1; minus strand). Cytogenetic location: 6q25.2.
Variant type: single nucleotide variant.
Coding change: c.26372C>A on transcript NM_182961.4 (MANE Select); coding-DNA position 26372, C replaced by A.
Protein change: p.Thr8791Lys; replaces threonine 8791 with lysine.
Molecular consequence: missense variant. On other transcripts: 3 prime UTR variant (1), intron variant (1).
Genome position (GRCh38, 1-based): chr6:152,122,458, G>T on the plus strand (C>A on the coding strand, the complement: SYNE1 is on the minus strand). VCF-style: chr6-152122458-G-T. GRCh37 (hg19) VCF-style: chr6-152443593-G-T.
Other names: c.*183C>A (NM_001347701.2); c.2906C>A, p.Thr969Lys (NM_001347702.2); c.26228C>A, p.Thr8743Lys (NM_033071.5); c.851-2808G>T (NM_001328100.2); short protein forms T8791K, T8743K, T969K.
Identifiers: ClinVar variation 593818 (VCV000593818.14), dbSNP rs567376316, ClinGen allele CA4052578.